The following is an entry in ClinVar:

ClinVar aggregate classification (germline): Uncertain significance (1 of 4 stars; one submission).

Submission:

Labcorp Genetics (formerly Invitae), Labcorp
Classification: Uncertain significance. Last evaluated: 2025-10-20. Review status: criteria provided, single submitter. Criteria: Invitae Variant Classification Sherloc (09022015). Collection method: clinical testing. Allele origin: germline.
Comment: This sequence change falls in intron 4 of the CFH gene. It does not directly change the encoded amino acid sequence of the CFH protein. This variant is present in population databases (rs200757272, gnomAD 0.0009%). This variant has not been reported in the literature in individuals affected with CFH-related conditions. ClinVar contains an entry for this variant (Variation ID: 3620198). Algorithms developed to predict the effect of sequence changes on RNA splicing suggest that this variant may disrupt the consensus splice site. In summary, the available evidence is currently insufficient to determine the role of this variant in disease. Therefore, it has been classified as a Variant of Uncertain Significance.

NM_000186.4(CFH):c.428-5T>A

Gene: CFH (complement factor H; plus strand). Cytogenetic location: 1q31.3.
Variant type: single nucleotide variant.
Coding change: c.428-5T>A on transcript NM_000186.4 (MANE Select); 5 bases into the intron before coding-DNA position 428, T replaced by A.
Molecular consequence: intron variant.
Genome position (GRCh38, 1-based): chr1:196,677,471, T>A. VCF-style: chr1-196677471-T-A. GRCh37 (hg19) VCF-style: chr1-196646601-T-A.
Other names: c.428-5T>A (NM_001014975.3).
Identifiers: ClinVar variation 3620198 (VCV003620198.2).